The following is an entry in ClinVar:

NM_016203.4(PRKAG2):c.526C>A (p.Pro176Thr)

Gene: PRKAG2 (protein kinase AMP-activated non-catalytic subunit gamma 2; minus strand). Cytogenetic location: 7q36.1.
Variant type: single nucleotide variant.
Coding change: c.526C>A on transcript NM_016203.4 (MANE Select); coding-DNA position 526, C replaced by A.
Protein change: p.Pro176Thr; replaces proline 176 with threonine.
Molecular consequence: missense variant.
Genome position (GRCh38, 1-based): chr7:151,675,578, G>T on the plus strand (C>A on the coding strand, the complement: PRKAG2 is on the minus strand). VCF-style: chr7-151675578-G-T. GRCh37 (hg19) VCF-style: chr7-151372664-G-T.
Other names: p.P176T:CCC>ACC; c.394C>A, p.Pro132Thr (NM_001040633.2); c.154C>A, p.Pro52Thr (NM_001304527.2, NM_001363698.2); short protein forms P176T, P52T, P132T.
Identifiers: ClinVar variation 181468 (VCV000181468.2), dbSNP rs730880973, ClinGen allele CA014299.

ClinVar aggregate classification (germline): Uncertain significance (1 of 4 stars; one submission).

gnomAD v4.1: 1 of 1,614,190 alleles (0.000062%); highest among the groups gnomAD compares: African/African-American, 0.0013%; no homozygotes.

Submission:

GeneDx
Classification: Uncertain significance. Last evaluated: 2012-07-16. Review status: criteria provided, single submitter. Criteria: GeneDx Variant Classification (06012015). Collection method: clinical testing. Allele origin: germline. Affected: yes.
Comment: p.Pro176Thr (CCC>ACC): c.526 C>A in exon 4 of the PRKAG2 gene (NM_016203.3) The Pro176Thr variant in the PRKAG2 gene has not been reported as a disease-causing mutation or as a benign polymorphism to our knowledge. Pro176Thr results in a non-conservative amino acid substitution of a non-polar Proline residue with a polar Threonine residue at a position that is conserved across species. In silico analysis predicts Pro176Thr is damaging to the protein structure/function. Furthermore, the NHLBI ESP Exome Variant Server reports Pro176Thr was not observed in over 5,000 samples from individuals of European and African American backgrounds, indicating it is not a common benign variant in these populations. Nevertheless, no mutations in surrounding residues have been reported in association with cardiomyopathy, indicating this region of the PRKAG2 gene may be tolerant of change. With the clinical and molecular information available at this time, we cannot definitively determine if Pro176Thr is a disease-causing mutation or a rare benign variant. The variant is found in HCM panel(s).